The following is an entry in ClinVar:

ClinVar aggregate classification (germline): Pathogenic/Likely pathogenic. Review status: criteria provided, multiple submitters, no conflicts (2 of 4 stars). 3 submissions from 3 submitters: Pathogenic (1); Likely pathogenic (1). 1 of the submissions does not count toward it. Last evaluated 2025-06-27.

Conditions:
Thrombophilia due to protein C deficiency, autosomal dominant. Also called: PROC DEFICIENCY, AUTOSOMAL DOMINANT; PROTEIN C DEFICIENCY, AUTOSOMAL DOMINANT. Identifiers: Orphanet 745, MedGen C2674321, MONDO:0008316, OMIM 176860. Disease mechanism: loss of function.
Reduced protein C activity. Identifiers: MedGen C0398625, MeSH D020151, HP:0005543.

Allele frequency attached by ClinVar (database versions not stated): TOPMed below 0.00001; gnomAD exomes 0.00001.

Submissions (3):

Mayo Clinic Laboratories, Mayo Clinic
Classification: Likely pathogenic. Last evaluated: 2025-06-27. Review status: criteria provided, single submitter. Criteria: ACMG Guidelines, 2015. Collection method: clinical testing. Allele origin: germline. Observed: 2 variant alleles.
Comment: PM2_supporting, PVS1

Labcorp Genetics (formerly Invitae), Labcorp
Classification: Pathogenic for Thrombophilia due to protein C deficiency, autosomal dominant. Last evaluated: 2022-02-22. Review status: criteria provided, single submitter. Criteria: Invitae Variant Classification Sherloc (09022015). Collection method: clinical testing. Allele origin: germline.
Comment: For these reasons, this variant has been classified as Pathogenic. Algorithms developed to predict the effect of sequence changes on RNA splicing suggest that this variant may create or strengthen a splice site. ClinVar contains an entry for this variant (Variation ID: 972257). This variant is also known as Trp-29->term. This premature translational stop signal has been observed in individual(s) with protein C deficiency (PMID: 8462980). This variant is not present in population databases (gnomAD no frequency). This sequence change creates a premature translational stop signal (p.Trp14*) in the PROC gene. It is expected to result in an absent or disrupted protein product. Loss-of-function variants in PROC are known to be pathogenic (PMID: 17152060).

ISTH-SSC Genomics in Thrombosis and Hemostasis, KU Leuven, Center for Molecular and Vascular Biology
Classification: Pathogenic for Reduced protein C activity. Review status: no assertion criteria provided. Collection method: research. Allele origin: unknown. Affected: yes. Not counted in ClinVar's aggregate classification.
Comment: Submitted to GoldVariant by Dr Karyn Mégy from NIHR Bioresource - Cambridge University, UK

Literature cited by the submitters: PubMed 37647632 (cited by Mayo Clinic Laboratories, Mayo Clinic); PubMed 8462980 (cited by Mayo Clinic Laboratories, Mayo Clinic and Labcorp Genetics (formerly Invitae), Labcorp); PubMed 17152060 (cited by Labcorp Genetics (formerly Invitae), Labcorp).

NM_000312.4(PROC):c.41G>A (p.Trp14Ter)

Gene: PROC (protein C, inactivator of coagulation factors Va and VIIIa; plus strand). Cytogenetic location: 2q14.3.
Variant type: single nucleotide variant.
Coding change: c.41G>A on transcript NM_000312.4 (MANE Select); coding-DNA position 41, G replaced by A.
Protein change: p.Trp14Ter; replaces tryptophan 14 with a stop codon.
Molecular consequence: nonsense. On other transcripts: missense variant (1), intron variant (1).
Genome position (GRCh38, 1-based): chr2:127,419,983, G>A. VCF-style: chr2-127419983-G-A. GRCh37 (hg19) VCF-style: chr2-128177559-G-A.
Other names: p.Trp14*; c.224G>A, p.Trp75Ter (NM_001375602.1); c.104G>A, p.Trp35Ter (NM_001375603.1, NM_001375604.1, NM_001375606.1); c.41G>A, p.Trp14Ter (NM_001375605.1, NM_001375608.1, NM_001375610.1 and 2 more transcripts); c.160G>A, p.Gly54Arg (NM_001375607.1); c.47-1300G>A (NM_001375609.1); short protein forms W75*, G54R, W14*, W35*.
Identifiers: ClinVar variation 972257 (VCV000972257.13), dbSNP rs758576042, ClinGen allele CA55341142.